The following is an entry in ClinVar:

NM_002519.3(NPAT):c.3657T>G (p.Asn1219Lys)

Gene: NPAT (nuclear protein, coactivator of histone transcription; minus strand). Cytogenetic location: 11q22.3.
Variant type: single nucleotide variant.
Coding change: c.3657T>G on transcript NM_002519.3 (MANE Select); coding-DNA position 3657, T replaced by G.
Protein change: p.Asn1219Lys; replaces asparagine 1219 with lysine.
Molecular consequence: missense variant.
Genome position (GRCh38, 1-based): chr11:108,161,429, A>C on the plus strand (T>G on the coding strand, the complement: NPAT is on the minus strand). VCF-style: chr11-108161429-A-C. GRCh37 (hg19) VCF-style: chr11-108032156-A-C.
Other names: c.3678T>G, p.Asn1226Lys (NM_001321307.1); short protein forms N1219K, N1226K.
Identifiers: ClinVar variation 1733639 (VCV001733639.5), dbSNP rs776701812, ClinGen allele CA6263544.

ClinVar aggregate classification (germline): Uncertain significance. Review status: criteria provided, multiple submitters, no conflicts (2 of 4 stars). 2 submissions from 2 submitters: Uncertain significance (2). Last evaluated 2023-12-02.

Allele frequency attached by ClinVar (database versions not stated): ExAC 0.00001.
gnomAD v4.1: 3 of 1,614,174 alleles (0.00019%); highest among the groups gnomAD compares: Non-Finnish European, 0.00025%; no homozygotes.

Submissions (2):

Ambry Genetics
Classification: Uncertain significance. Last evaluated: 2023-12-02. Review status: criteria provided, single submitter. Criteria: Ambry Variant Classification Scheme 2023. Collection method: clinical testing. Allele origin: germline.
Comment: The p.N1219K variant (also known as c.3657T>G), located in coding exon 17 of the NPAT gene, results from a T to G substitution at nucleotide position 3657. The asparagine at codon 1219 is replaced by lysine, an amino acid with similar properties. This amino acid position is conserved. In addition, this alteration is predicted to be tolerated by in silico analysis. Since supporting evidence is limited at this time, the clinical significance of this alteration remains unclear.

Labcorp Genetics (formerly Invitae), Labcorp
Classification: Uncertain significance. Last evaluated: 2023-02-17. Review status: criteria provided, single submitter. Criteria: Invitae Variant Classification Sherloc (09022015). Collection method: clinical testing. Allele origin: germline.
Comment: This sequence change replaces asparagine, which is neutral and polar, with lysine, which is basic and polar, at codon 1219 of the NPAT protein (p.Asn1219Lys). This variant is present in population databases (rs776701812, gnomAD 0.004%). This variant has not been reported in the literature in individuals affected with NPAT-related conditions. ClinVar contains an entry for this variant (Variation ID: 1733639). An algorithm developed to predict the effect of missense changes on protein structure and function (PolyPhen-2) suggests that this variant is likely to be tolerated. Algorithms developed to predict the effect of sequence changes on RNA splicing suggest that this variant may disrupt the consensus splice site. In summary, the available evidence is currently insufficient to determine the role of this variant in disease. Therefore, it has been classified as a Variant of Uncertain Significance.